The following is an entry in ClinVar:

NM_007194.4(CHEK2):c.1313A>T (p.Asp438Val)

Gene: CHEK2 (checkpoint kinase 2; minus strand). Cytogenetic location: 22q12.1.
Variant type: single nucleotide variant.
Coding change: c.1313A>T on transcript NM_007194.4 (MANE Select); coding-DNA position 1313, A replaced by T.
Protein change: p.Asp438Val; replaces aspartic acid 438 with valine.
Molecular consequence: missense variant.
Genome position (GRCh38, 1-based): chr22:28,695,189, T>A on the plus strand (A>T on the coding strand, the complement: CHEK2 is on the minus strand). VCF-style: chr22-28695189-T-A. GRCh37 (hg19) VCF-style: chr22-29091177-T-A.
Other names: c.1442A>T, p.Asp481Val (NM_001005735.3); c.650A>T, p.Asp217Val (NM_001257387.3); c.1112A>T, p.Asp371Val (NM_001349956.3); c.1226A>T, p.Asp409Val (NM_145862.3); short protein forms D438V, D371V, D217V, D409V, D481V.
Identifiers: ClinVar variation 584520 (VCV000584520.18), dbSNP rs1569112074, ClinGen allele CA411096006.

ClinVar aggregate classification (germline): Uncertain significance. Review status: criteria provided, multiple submitters, no conflicts (2 of 4 stars). 4 submissions from 4 submitters: Uncertain significance (4). Last evaluated 2025-11-30.

Conditions:
Familial cancer of breast. Also called: Hereditary breast cancer; hereditary breast carcinoma; BREAST CANCER, FAMILIAL. Identifiers: Orphanet 227535, MedGen C0346153, MONDO:0016419, OMIM 114480. Disease mechanism: loss of function.
Hereditary cancer-predisposing syndrome. Also called: Neoplastic Syndromes, Hereditary; Hereditary Cancer Syndrome; Tumor predisposition; Hereditary neoplastic syndrome. Identifiers: Orphanet 140162, MedGen C0027672, MeSH D009386, MONDO:0015356.

Allele frequency attached by ClinVar (database versions not stated): gnomAD exomes below 0.00001.
gnomAD v4.1: 1 of 1,613,582 alleles (0.000062%); highest among the groups gnomAD compares: Non-Finnish European, 0.000085%; no homozygotes.

Submissions (4):

Labcorp Genetics (formerly Invitae), Labcorp
Classification: Uncertain significance for Familial cancer of breast. Last evaluated: 2025-11-30. Review status: criteria provided, single submitter. Criteria: Invitae Variant Classification Sherloc (09022015). Collection method: clinical testing. Allele origin: germline.
Comment: This sequence change replaces aspartic acid, which is acidic and polar, with valine, which is neutral and non-polar, at codon 438 of the CHEK2 protein (p.Asp438Val). This variant is not present in population databases (gnomAD no frequency). This missense change has been observed in individual(s) with breast cancer (PMID: 29785153). ClinVar contains an entry for this variant (Variation ID: 584520). An algorithm developed to predict the effect of missense changes on protein structure and function (PolyPhen-2) suggests that this variant is likely to be disruptive. In summary, the available evidence is currently insufficient to determine the role of this variant in disease. Therefore, it has been classified as a Variant of Uncertain Significance.

Ambry Genetics
Classification: Uncertain significance for Hereditary cancer-predisposing syndrome. Last evaluated: 2025-01-06. Review status: criteria provided, single submitter. Criteria: Ambry Variant Classification Scheme 2023. Collection method: clinical testing. Allele origin: germline.
Comment: The p.D438V variant (also known as c.1313A>T), located in coding exon 11 of the CHEK2 gene, results from an A to T substitution at nucleotide position 1313. The aspartic acid at codon 438 is replaced by valine, an amino acid with highly dissimilar properties. This alteration was identified in 1/130 Romanian breast cancer patients undergoing multigene panel testing for hereditary cancer risk (Goidescu IG et al. Clujul Med, 2018 Apr;91:157-165). This alteration has also been reported in 1/1197 individuals from Greece, Romania, and Turkey undergoing evaluation for inherited cancer predisposition (Tsaousis GN et al. BMC Cancer, 2019 Jun;19:535). This amino acid position is well conserved in available vertebrate species. In addition, the in silico prediction for this alteration is inconclusive. Based on the available evidence, the clinical significance of this variant remains unclear.

Color Diagnostics, LLC DBA Color Health
Classification: Uncertain significance for Hereditary cancer-predisposing syndrome. Last evaluated: 2022-05-23. Review status: criteria provided, single submitter. Criteria: ACMG Guidelines, 2015. Collection method: clinical testing. Allele origin: germline.
Comment: This missense variant replaces aspartic acid with valine at codon 438 of the CHEK2 protein. Computational prediction suggests that this variant may not impact protein structure and function (internally defined REVEL score threshold <= 0.5, PMID: 27666373). To our knowledge, functional studies have not been reported for this variant. This variant has been reported in individuals affected with breast cancer in the literature (PMID: 29785153). This variant has not been identified in the general population by the Genome Aggregation Database (gnomAD). The available evidence is insufficient to determine the role of this variant in disease conclusively. Therefore, this variant is classified as a Variant of Uncertain Significance.

GeneKor MSA
Classification: Uncertain significance for Hereditary cancer-predisposing syndrome. Last evaluated: 2018-08-01. Review status: criteria provided, single submitter. Criteria: ACMG Guidelines, 2015. Collection method: clinical testing. Allele origin: germline. Affected: yes.

Literature cited by the submitters: PubMed 29785153 (cited by 3 submitters); PubMed 31159747 (cited by Ambry Genetics).